The following is an entry in ClinVar:

ClinVar aggregate classification (germline): Uncertain significance (1 of 4 stars; one submission).

Conditions:
Hoyeraal-Hreidarsson syndrome (HHS). Also called: CEREBELLAR HYPOPLASIA WITH PANCYTOPENIA. Identifiers: Orphanet 3322, MedGen C1846142, MONDO:0018045.
Autosomal recessive dyskeratosis congenita. Identifiers: MedGen C3502105.

Allele frequency attached by ClinVar (database versions not stated): ExAC 0.00002; gnomAD exomes 0.00002 and 0.00009; TOPMed 0.00002; gnomAD 0.00003; ESP Exome Variant Server 0.00008.
gnomAD v4.1: 127 of 1,614,110 alleles (0.0079%); highest among the groups gnomAD compares: Non-Finnish European, 0.01%; no homozygotes.

Submission:

Labcorp Genetics (formerly Invitae), Labcorp
Classification: Uncertain significance for Hoyeraal-Hreidarsson syndrome; Autosomal recessive dyskeratosis congenita. Last evaluated: 2020-01-18. Review status: criteria provided, single submitter. Criteria: Invitae Variant Classification Sherloc (09022015). Collection method: clinical testing. Allele origin: germline.
Comment: In summary, the available evidence is currently insufficient to determine the role of this variant in disease. Therefore, it has been classified as a Variant of Uncertain Significance. Algorithms developed to predict the effect of missense changes on protein structure and function output the following: SIFT: "Deleterious"; PolyPhen-2: "Benign"; Align-GVGD: "Class C0". The alanine amino acid residue is found in multiple mammalian species, suggesting that this missense change does not adversely affect protein function. These predictions have not been confirmed by published functional studies and their clinical significance is uncertain. This variant has not been reported in the literature in individuals with DCLRE1B-related conditions. This variant is present in population databases (rs367553852, ExAC 0.005%). This sequence change replaces valine with alanine at codon 413 of the DCLRE1B protein (p.Val413Ala). The valine residue is weakly conserved and there is a small physicochemical difference between valine and alanine.

NM_022836.4(DCLRE1B):c.1238T>C (p.Val413Ala)

Gene: DCLRE1B (DNA cross-link repair 1B; plus strand). Cytogenetic location: 1p13.2.
Variant type: single nucleotide variant.
Coding change: c.1238T>C on transcript NM_022836.4 (MANE Select); coding-DNA position 1238, T replaced by C.
Protein change: p.Val413Ala; replaces valine 413 with alanine.
Molecular consequence: missense variant.
Genome position (GRCh38, 1-based): chr1:113,911,830, T>C. VCF-style: chr1-113911830-T-C. GRCh37 (hg19) VCF-style: chr1-114454452-T-C.
Other names: c.860T>C, p.Val287Ala (NM_001319946.2, NM_001319947.2, NM_001363691.2); c.1238T>C, p.Val413Ala (NM_001363690.2); short protein forms V287A, V413A.
Identifiers: ClinVar variation 1010600 (VCV001010600.9), dbSNP rs367553852, ClinGen allele CA1016551.